The following is an entry in ClinVar:

ClinVar aggregate classification (germline): Uncertain significance. Review status: criteria provided, single submitter (1 of 4 stars). 2 submissions from 2 submitters: Uncertain significance (1). 1 of the submissions does not count toward it. Last evaluated 2025-04-13.

Conditions:
KIDINS220-related disorder. Also called: KIDINS220-related condition.
Inborn genetic diseases. Identifiers: MedGen C0950123, MeSH D030342.

Submissions (2):

Ambry Genetics
Classification: Uncertain significance for Inborn genetic diseases. Last evaluated: 2025-04-13. Review status: criteria provided, single submitter. Criteria: Ambry Variant Classification Scheme 2023. Collection method: clinical testing. Allele origin: germline.

PreventionGenetics, part of Exact Sciences
Classification: Uncertain significance for KIDINS220-related condition. Last evaluated: 2024-06-10. Review status: no assertion criteria provided. Collection method: clinical testing. Allele origin: germline. Not counted in ClinVar's aggregate classification.
Comment: The KIDINS220 c.4403A>G variant is predicted to result in the amino acid substitution p.Asn1468Ser. To our knowledge, this variant has not been reported in the literature. This variant is reported in 0.0065% of alleles in individuals of African descent in gnomAD. At this time, the clinical significance of this variant is uncertain due to the absence of conclusive functional and genetic evidence.

NM_020738.4(KIDINS220):c.4403A>G (p.Asn1468Ser)

Gene: KIDINS220 (kinase D interacting substrate 220; minus strand). Cytogenetic location: 2p25.1.
Variant type: single nucleotide variant.
Coding change: c.4403A>G on transcript NM_020738.4 (MANE Select); coding-DNA position 4403, A replaced by G.
Protein change: p.Asn1468Ser; replaces asparagine 1468 with serine.
Molecular consequence: missense variant. On other transcripts: intron variant (6).
Genome position (GRCh38, 1-based): chr2:8,731,633, T>C on the plus strand (A>G on the coding strand, the complement: KIDINS220 is on the minus strand). VCF-style: chr2-8731633-T-C. GRCh37 (hg19) VCF-style: chr2-8871763-T-C.
Other names: c.4406A>G, p.Asn1469Ser (NM_001348729.2); c.4349A>G, p.Asn1450Ser (NM_001348731.2); c.4346A>G, p.Asn1449Ser (NM_001348732.2); c.4235A>G, p.Asn1412Ser (NM_001348734.2); c.4232A>G, p.Asn1411Ser (NM_001348735.2); c.4106A>G, p.Asn1369Ser (NM_001348736.2); c.3882+1811A>G (NM_001348741.2, NM_001348742.2, NM_001348743.2); c.3996+1811A>G (NM_001348738.2); and 1 more; short protein forms N1369S, N1411S, N1412S, N1449S, N1450S, N1468S, N1469S.
Identifiers: ClinVar variation 3355439 (VCV003355439.2).